The following is an entry in ClinVar:

NM_001048174.2(MUTYH):c.90_93del (p.Ser30fs)

Gene: MUTYH (mutY DNA glycosylase; minus strand). Cytogenetic location: 1p34.1.
Variant type: Deletion.
Coding change: c.90_93del on transcript NM_001048174.2 (MANE Select); coding-DNA positions 90 to 93, 4 bases deleted (TCAG; older notation c.90_93delTCAG).
Protein change: p.Ser30fs; shifts the reading frame from serine 30.
Molecular consequence: frameshift variant. On other transcripts: 5 prime UTR variant (4), non-coding transcript variant (2).
Genome position (GRCh38, 1-based): chr1:45,334,413-45,334,416, CTGA deleted on the plus strand (TCAG on the coding strand, the reverse complement: MUTYH is on the minus strand); deleting any 4 consecutive bases within chr1:45,334,413-45,334,419 gives the same sequence; the c. name uses the placement nearest the transcript's 3' end. VCF-style (leftmost placement, unchanged base first): chr1-45334412-CCTGA-C. GRCh37 (hg19) VCF-style: chr1-45800084-CCTGA-C.
Other names: c.90_93del, p.Ser30fs (NM_001048171.2, NM_001048172.2, NM_001048173.2 and 2 more transcripts); c.132_135del, p.Ser44fs (NM_001128425.2, NM_001293190.2, NM_012222.3); c.-123_-120del (NM_001293192.2, NM_001293196.2); c.-182_-179del (NM_001350650.2); c.-118_-115del (NM_001350651.2); c.132_135delTCAG (NM_001128425.1); short protein forms S44fs, S30fs.
Identifiers: ClinVar variation 854670 (VCV000854670.17), dbSNP rs1645561773, ClinGen allele CA916080233.

ClinVar aggregate classification (germline): Pathogenic/Likely pathogenic. Review status: criteria provided, multiple submitters, no conflicts (2 of 4 stars). 5 submissions from 5 submitters: Pathogenic (4); Likely pathogenic (1). Last evaluated 2025-06-18.

Conditions:
Hereditary cancer-predisposing syndrome. Also called: Neoplastic Syndromes, Hereditary; Hereditary neoplastic syndrome; Tumor predisposition; Hereditary Cancer Syndrome. Identifiers: Orphanet 140162, MedGen C0027672, MeSH D009386, MONDO:0015356.
Familial adenomatous polyposis 2. Also called: MYH-associated polyposis; FAP type 2; MUTYH-related attenuated familial adenomatous polyposis; Adenomas, multiple colorectal; ADENOMAS, MULTIPLE COLORECTAL, AUTOSOMAL RECESSIVE; MUTYH Polyposis. Identifiers: Orphanet 220460, Orphanet 247798, MedGen C3272841, MONDO:0012041, OMIM 608456.

Submissions (5):

Labcorp Genetics (formerly Invitae), Labcorp
Classification: Pathogenic for Familial adenomatous polyposis 2. Last evaluated: 2025-06-18. Review status: criteria provided, single submitter. Criteria: Invitae Variant Classification Sherloc (09022015). Collection method: clinical testing. Allele origin: germline.
Comment: This sequence change creates a premature translational stop signal (p.Ser44Argfs*13) in the MUTYH gene. It is expected to result in an absent or disrupted protein product. Loss-of-function variants in MUTYH are known to be pathogenic (PMID: 18534194, 20663686). This variant is not present in population databases (gnomAD no frequency). This variant has not been reported in the literature in individuals affected with MUTYH-related conditions. ClinVar contains an entry for this variant (Variation ID: 854670). For these reasons, this variant has been classified as Pathogenic.

All of Us Research Program, National Institutes of Health
Classification: Pathogenic for Familial adenomatous polyposis 2. Last evaluated: 2024-07-10. Review status: criteria provided, single submitter. Criteria: ACMG Guidelines, 2015. Collection method: clinical testing. Allele origin: germline. Inheritance: Autosomal recessive inheritance. Observed: 3 variant alleles, 3 heterozygotes.
Comment: This variant deletes 4 nucleotides in exon 2 of the MUTYH gene, creating a frameshift and premature translation stop signal. This variant is expected to result in an absent or non-functional protein product. To our knowledge, this variant has not been reported in individuals affected with hereditary cancer in the literature. This variant has not been identified in the general population by the Genome Aggregation Database (gnomAD). Loss of MUTYH function is a known mechanism of disease. Based on the available evidence, this variant is classified as Pathogenic.

This study involves interpretation of variants in research participants for the purpose of population health screening. Participant phenotype was not available at the time of variant classification. Additional details can be found in publication PMID: 35346344, PMCID: PMC8962531

Color Diagnostics, LLC DBA Color Health
Classification: Pathogenic for Hereditary cancer-predisposing syndrome. Last evaluated: 2024-05-07. Review status: criteria provided, single submitter. Criteria: ACMG Guidelines, 2015. Collection method: clinical testing. Allele origin: germline.
Comment: This variant deletes 4 nucleotides in exon 2 of the MUTYH gene, creating a frameshift and premature translation stop signal. This variant is expected to result in an absent or non-functional protein product. To our knowledge, this variant has not been reported in individuals affected with hereditary cancer in the literature. This variant has not been identified in the general population by the Genome Aggregation Database (gnomAD). Loss of MUTYH function is a known mechanism of disease. Based on the available evidence, this variant is classified as Pathogenic.

Ambry Genetics
Classification: Pathogenic for Hereditary cancer-predisposing syndrome. Last evaluated: 2024-02-28. Review status: criteria provided, single submitter. Criteria: Ambry Variant Classification Scheme 2023. Collection method: clinical testing. Allele origin: germline.
Comment: The c.132_135delTCAG pathogenic mutation, located in coding exon 2 of the MUTYH gene, results from a deletion of 4 nucleotides at nucleotide positions 132 to 135, causing a translational frameshift with a predicted alternate stop codon (p.S44Rfs*13). This alteration is expected to result in loss of function by premature protein truncation or nonsense-mediated mRNA decay. This variant is considered to be rare based on population cohorts in the Genome Aggregation Database (gnomAD). As such, this alteration is interpreted as a disease-causing mutation.

Baylor Genetics
Classification: Likely pathogenic for Familial adenomatous polyposis 2. Last evaluated: 2023-01-25. Review status: criteria provided, single submitter. Criteria: ACMG Guidelines, 2015. Collection method: clinical testing. Allele origin: unknown.

Literature cited by the submitters: PubMed 18534194 (cited by Labcorp Genetics (formerly Invitae), Labcorp); PubMed 20663686 (cited by Labcorp Genetics (formerly Invitae), Labcorp).